The following is an entry in ClinVar:

NM_144666.3(DNHD1):c.3612C>T (p.Gly1204=)

Gene: DNHD1 (dynein heavy chain domain 1; plus strand). Cytogenetic location: 11p15.4.
Variant type: single nucleotide variant.
Coding change: c.3612C>T on transcript NM_144666.3 (MANE Select); coding-DNA position 3612, C replaced by T.
Protein change: p.Gly1204=; no amino-acid change (glycine 1204 retained).
Molecular consequence: synonymous variant.
Genome position (GRCh38, 1-based): chr11:6,540,067, C>T. VCF-style: chr11-6540067-C-T. GRCh37 (hg19) VCF-style: chr11-6561297-C-T.
Identifiers: ClinVar variation 682604 (VCV000682604.8), dbSNP rs376064043, ClinGen allele CA5855920.

ClinVar aggregate classification (germline): Benign/Likely benign. Review status: criteria provided, multiple submitters, no conflicts (2 of 4 stars). 5 submissions from 5 submitters: Benign (1); Likely benign (3). 1 of the submissions does not count toward it. Last evaluated 2024-10-09.

Conditions:
DNHD1-related disorder. Also called: DNHD1-related condition.

Allele frequency attached by ClinVar (database versions not stated): gnomAD exomes 0.00012 and 0.00031; ExAC 0.00082; gnomAD 0.00092 and 0.00098; TOPMed 0.00125; 1000 Genomes Project 30x 0.00141; 1000 Genomes Project 0.00160; ESP Exome Variant Server 0.00175.
gnomAD v4.1: 309 of 1,551,710 alleles (0.02%); highest among the groups gnomAD compares: African/African-American, 0.37%; 1 homozygote.

Submissions (5):

Blueprint Genetics
Classification: Likely benign. Last evaluated: 2024-10-09. Review status: criteria provided, single submitter. Criteria: ACMG Guidelines, 2015. Collection method: clinical testing. Allele origin: germline.

Labcorp Genetics (formerly Invitae), Labcorp
Classification: Benign. Last evaluated: 2018-12-13. Review status: criteria provided, single submitter. Criteria: Invitae Variant Classification Sherloc (09022015). Collection method: clinical testing. Allele origin: germline.

GeneDx
Classification: Likely benign. Last evaluated: 2018-05-22. Review status: criteria provided, single submitter. Criteria: GeneDx Variant Classification (06012015). Collection method: clinical testing. Allele origin: germline. Affected: yes.
Comment: This variant is considered likely benign or benign based on one or more of the following criteria: it is a conservative change, it occurs at a poorly conserved position in the protein, it is predicted to be benign by multiple in silico algorithms, and/or has population frequency not consistent with disease.

Breakthrough Genomics
Classification: Likely benign. Review status: criteria provided, single submitter. Criteria: ACMG Guidelines, 2015. Collection method: not provided. Allele origin: germline. Inheritance: Autosomal recessive inheritance. Affected: yes.

PreventionGenetics, part of Exact Sciences
Classification: Likely benign for DNHD1-related condition. Last evaluated: 2019-06-21. Review status: no assertion criteria provided. Collection method: clinical testing. Allele origin: germline. Not counted in ClinVar's aggregate classification.
Comment: This variant is classified as likely benign based on ACMG/AMP sequence variant interpretation guidelines (Richards et al. 2015 PMID: 25741868, with internal and published modifications).